The following is an entry in ClinVar:

ClinVar aggregate classification (germline): Uncertain significance (1 of 4 stars; one submission).

Allele frequency attached by ClinVar (database versions not stated): gnomAD exomes below 0.00001; gnomAD 0.00001.
gnomAD v4.1: 3 of 1,614,038 alleles (0.00019%); highest among the groups gnomAD compares: African/African-American, 0.0013%; no homozygotes.

Submission:

Labcorp Genetics (formerly Invitae), Labcorp
Classification: Uncertain significance. Last evaluated: 2023-01-25. Review status: criteria provided, single submitter. Criteria: Invitae Variant Classification Sherloc (09022015). Collection method: clinical testing. Allele origin: germline.
Comment: In summary, the available evidence is currently insufficient to determine the role of this variant in disease. Therefore, it has been classified as a Variant of Uncertain Significance. Algorithms developed to predict the effect of missense changes on protein structure and function are either unavailable or do not agree on the potential impact of this missense change (SIFT: "Tolerated"; PolyPhen-2: "Not Available"; Align-GVGD: "Class C0"). ClinVar contains an entry for this variant (Variation ID: 1443729). This variant has not been reported in the literature in individuals affected with COL4A1-related conditions. This variant is not present in population databases (gnomAD no frequency). This sequence change replaces threonine, which is neutral and polar, with alanine, which is neutral and non-polar, at codon 1635 of the COL4A1 protein (p.Thr1635Ala).

NM_001845.6(COL4A1):c.4903A>G (p.Thr1635Ala)

Gene: COL4A1 (collagen type IV alpha 1 chain; minus strand). Cytogenetic location: 13q34.
Variant type: single nucleotide variant.
Coding change: c.4903A>G on transcript NM_001845.6 (MANE Select); coding-DNA position 4903, A replaced by G.
Protein change: p.Thr1635Ala; replaces threonine 1635 with alanine.
Molecular consequence: missense variant.
Genome position (GRCh38, 1-based): chr13:110,152,359, T>C on the plus strand (A>G on the coding strand, the complement: COL4A1 is on the minus strand). VCF-style: chr13-110152359-T-C. GRCh37 (hg19) VCF-style: chr13-110804706-T-C.
Other names: short protein forms T1635A.
Identifiers: ClinVar variation 1443729 (VCV001443729.6), dbSNP rs1876540287, ClinGen allele CA388654107.